The following is an entry in ClinVar:

NM_020297.4(ABCC9):c.3332T>C (p.Leu1111Ser)

Gene: ABCC9 (ATP binding cassette subfamily C member 9; minus strand). Cytogenetic location: 12p12.1.
Variant type: single nucleotide variant.
Coding change: c.3332T>C on transcript NM_020297.4 (MANE Select); coding-DNA position 3332, T replaced by C.
Protein change: p.Leu1111Ser; replaces leucine 1111 with serine.
Molecular consequence: missense variant.
Genome position (GRCh38, 1-based): chr12:21,842,455, A>G on the plus strand (T>C on the coding strand, the complement: ABCC9 is on the minus strand). VCF-style: chr12-21842455-A-G. GRCh37 (hg19) VCF-style: chr12-21995389-A-G.
Other names: c.3332T>C, p.Leu1111Ser (NM_001377273.1, NM_005691.4); c.2465T>C, p.Leu822Ser (NM_001377274.1); short protein forms L1111S, L822S.
Identifiers: ClinVar variation 3378114 (VCV003378114.2).

ClinVar aggregate classification (germline): Uncertain significance (1 of 4 stars; one submission).

gnomAD v4.1: 1 of 1,614,156 alleles (0.000062%); highest among the groups gnomAD compares: Non-Finnish European, 0.000085%; no homozygotes.

Submission:

GeneDx
Classification: Uncertain significance. Last evaluated: 2025-10-03. Review status: criteria provided, single submitter. Criteria: GeneDx Variant Classification Process June 2021. Collection method: clinical testing. Allele origin: germline. Affected: yes.
Comment: Not observed at significant frequency in large population cohorts (gnomAD); In silico analysis supports that this missense variant has a deleterious effect on protein structure/function; Has not been previously published as pathogenic or benign to our knowledge